The following is an entry in ClinVar:

NM_004991.4(MECOM):c.1036C>G (p.Arg346Gly)

Gene: MECOM (MDS1 and EVI1 complex locus; minus strand). Cytogenetic location: 3q26.2.
Variant type: single nucleotide variant.
Coding change: c.1036C>G on transcript NM_004991.4 (MANE Select); coding-DNA position 1036, C replaced by G.
Protein change: p.Arg346Gly; replaces arginine 346 with glycine.
Molecular consequence: missense variant.
Genome position (GRCh38, 1-based): chr3:169,121,152, G>C on the plus strand (C>G on the coding strand, the complement: MECOM is on the minus strand). VCF-style: chr3-169121152-G-C. GRCh37 (hg19) VCF-style: chr3-168838940-G-C.
Other names: c.667C>G, p.Arg223Gly (NM_001105077.4); c.472C>G, p.Arg158Gly (NM_001105078.4, NM_001164000.2, NM_001205194.2 and 5 more transcripts); c.475C>G, p.Arg159Gly (NM_001163999.2, NM_001366467.2, NM_001366468.2 and 1 more transcripts); c.1036C>G, p.Arg346Gly (NM_001366466.2, NM_001366473.2); short protein forms R223G, R159G, R158G, R346G.
Identifiers: ClinVar variation 3871794 (VCV003871794.1).

ClinVar aggregate classification (germline): Uncertain significance (1 of 4 stars; one submission).

Conditions:
Inborn genetic diseases. Identifiers: MedGen C0950123, MeSH D030342.

gnomAD v4.1: 3 of 1,613,346 alleles (0.00019%); highest among the groups gnomAD compares: Non-Finnish European, 0.00025%; no homozygotes.

Submission:

Ambry Genetics
Classification: Uncertain significance for Inborn genetic diseases. Last evaluated: 2025-02-03. Review status: criteria provided, single submitter. Criteria: Ambry Variant Classification Scheme 2023. Collection method: clinical testing. Allele origin: germline.
Comment: The p.R346G variant (also known as c.1036C>G), located in coding exon 7 of the MECOM gene, results from a C to G substitution at nucleotide position 1036. The arginine at codon 346 is replaced by glycine, an amino acid with dissimilar properties. This amino acid position is conserved. In addition, the in silico prediction for this alteration is inconclusive. Based on the available evidence, the clinical significance of this variant remains unclear.